The following is an entry in ClinVar:

NM_001393769.1(MED12L):c.3778C>A (p.Pro1260Thr)

Genes: MED12L (mediator complex subunit 12L; plus strand), P2RY12 (purinergic receptor P2Y12; minus strand). Cytogenetic location: 3q25.1.
Variant type: single nucleotide variant.
Coding change: c.3778C>A on transcript NM_001393769.1 (MANE Select); coding-DNA position 3778, C replaced by A.
Protein change: p.Pro1260Thr; replaces proline 1260 with threonine.
Molecular consequence: missense variant. On other transcripts: intron variant (1).
Genome position (GRCh38, 1-based): chr3:151,372,680, C>A. VCF-style: chr3-151372680-C-A. GRCh37 (hg19) VCF-style: chr3-151090468-C-A.
Other names: c.3673C>A, p.Pro1225Thr (NM_053002.6); c.-180+12012G>T (NM_022788.5); short protein forms P1225T, P1260T.
Identifiers: ClinVar variation 3068795 (VCV003068795.2), dbSNP rs755657936, ClinGen allele CA2668359.

ClinVar aggregate classification (germline): Uncertain significance (1 of 4 stars; one submission).

Allele frequency attached by ClinVar (database versions not stated): ExAC 0.00001; gnomAD 0.00001; gnomAD exomes 0.00001; TOPMed 0.00002.
gnomAD v4.1: 9 of 1,613,798 alleles (0.00056%); highest among the groups gnomAD compares: Admixed American, 0.0083%; no homozygotes.

Submission:

Women's Health and Genetics/Laboratory Corporation of America, LabCorp
Classification: Uncertain significance. Last evaluated: 2024-02-07. Review status: criteria provided, single submitter. Criteria: LabCorp Variant Classification Summary - May 2015. Collection method: clinical testing. Allele origin: germline.
Comment: Variant summary: MED12L c.3673C>A (p.Pro1225Thr) results in a non-conservative amino acid change in the encoded protein sequence. Four of five in-silico tools predict a benign effect of the variant on protein function. The variant allele was found at a frequency of 1.6e-05 in 251132 control chromosomes. The available data on variant occurrences in the general population are insufficient to allow any conclusion about variant significance. To our knowledge, no occurrence of c.3673C>A in individuals affected with Nizon-Isidor Syndrome and no experimental evidence demonstrating its impact on protein function have been reported. No submitters have cited clinical-significance assessments for this variant to ClinVar. Based on the evidence outlined above, the variant was classified as uncertain significance.